The following is an entry in ClinVar:

ClinVar aggregate classification (germline): Uncertain significance (1 of 4 stars; one submission).

Submission:

Labcorp Genetics (formerly Invitae), Labcorp
Classification: Uncertain significance. Last evaluated: 2024-12-12. Review status: criteria provided, single submitter. Criteria: Invitae Variant Classification Sherloc (09022015). Collection method: clinical testing. Allele origin: germline.
Comment: This sequence change replaces serine, which is neutral and polar, with proline, which is neutral and non-polar, at codon 211 of the GNA11 protein (p.Ser211Pro). This variant is not present in population databases (gnomAD no frequency). This variant has not been reported in the literature in individuals affected with GNA11-related conditions. Invitae Evidence Modeling of protein sequence and biophysical properties (such as structural, functional, and spatial information, amino acid conservation, physicochemical variation, residue mobility, and thermodynamic stability) indicates that this missense variant is expected to disrupt GNA11 protein function with a positive predictive value of 80%. In summary, the available evidence is currently insufficient to determine the role of this variant in disease. Therefore, it has been classified as a Variant of Uncertain Significance.

NM_002067.5(GNA11):c.631T>C (p.Ser211Pro)

Gene: GNA11 (G protein subunit alpha 11; plus strand). Cytogenetic location: 19p13.3.
Variant type: single nucleotide variant.
Coding change: c.631T>C on transcript NM_002067.5 (MANE Select); coding-DNA position 631, T replaced by C.
Protein change: p.Ser211Pro; replaces serine 211 with proline.
Molecular consequence: missense variant.
Genome position (GRCh38, 1-based): chr19:3,118,949, T>C. VCF-style: chr19-3118949-T-C. GRCh37 (hg19) VCF-style: chr19-3118947-T-C.
Other names: short protein forms S211P.
Identifiers: ClinVar variation 3683638 (VCV003683638.2).